The following is an entry in ClinVar:

ClinVar aggregate classification (germline): Conflicting classifications of pathogenicity. Review status: criteria provided, conflicting classifications (1 of 4 stars). 4 submissions from 4 submitters: Uncertain significance (3); Benign (1). Last evaluated 2024-08-23.

Conditions:
Inborn genetic diseases. Identifiers: MedGen C0950123, MeSH D030342.
Genitopatellar syndrome (GTPTS). Also called: Genitopatellar syndrome (GPS); ABSENT PATELLAE, SCROTAL HYPOPLASIA, RENAL ANOMALIES, FACIAL DYSMORPHISM, AND MENTAL RETARDATION. Identifiers: Orphanet 85201, MedGen C1853566, MONDO:0011640, OMIM 606170.

Allele frequency attached by ClinVar (database versions not stated): gnomAD 0.00001; gnomAD exomes 0.00001; TOPMed 0.00002.
gnomAD v4.1: 7 of 1,613,952 alleles (0.00043%); highest among the groups gnomAD compares: Non-Finnish European, 0.00042%; no homozygotes.

Submissions (4):

Labcorp Genetics (formerly Invitae), Labcorp
Classification: Uncertain significance for Genitopatellar syndrome. Last evaluated: 2024-08-23. Review status: criteria provided, single submitter. Criteria: Invitae Variant Classification Sherloc (09022015). Collection method: clinical testing. Allele origin: germline.
Comment: This sequence change replaces alanine, which is neutral and non-polar, with valine, which is neutral and non-polar, at codon 261 of the KAT6B protein (p.Ala261Val). This variant is present in population databases (no rsID available, gnomAD 0.0009%). This variant has not been reported in the literature in individuals affected with KAT6B-related conditions. ClinVar contains an entry for this variant (Variation ID: 439843). Invitae Evidence Modeling of protein sequence and biophysical properties (such as structural, functional, and spatial information, amino acid conservation, physicochemical variation, residue mobility, and thermodynamic stability) indicates that this missense variant is not expected to disrupt KAT6B protein function with a negative predictive value of 80%. In summary, the available evidence is currently insufficient to determine the role of this variant in disease. Therefore, it has been classified as a Variant of Uncertain Significance.

GeneDx
Classification: Benign. Last evaluated: 2024-05-29. Review status: criteria provided, single submitter. Criteria: GeneDx Variant Classification Process June 2021. Collection method: clinical testing. Allele origin: germline. Affected: yes.
Comment: See Variant Classification Assertion Criteria.

Ambry Genetics
Classification: Uncertain significance for Inborn genetic diseases. Last evaluated: 2024-03-25. Review status: criteria provided, single submitter. Criteria: Ambry Variant Classification Scheme 2023. Collection method: clinical testing. Allele origin: germline.

ARUP Laboratories, Molecular Genetics and Genomics, ARUP Laboratories
Classification: Uncertain significance. Last evaluated: 2016-10-28. Review status: criteria provided, single submitter. Criteria: ARUP Molecular Germline Variant Investigation Process. Collection method: clinical testing. Allele origin: germline.

NM_012330.4(KAT6B):c.782C>T (p.Ala261Val)

Gene: KAT6B (lysine acetyltransferase 6B; plus strand). Cytogenetic location: 10q22.2.
Variant type: single nucleotide variant.
Coding change: c.782C>T on transcript NM_012330.4 (MANE Select); coding-DNA position 782, C replaced by T.
Protein change: p.Ala261Val; replaces alanine 261 with valine.
Molecular consequence: missense variant. On other transcripts: intron variant (2).
Genome position (GRCh38, 1-based): chr10:74,969,711, C>T. VCF-style: chr10-74969711-C-T. GRCh37 (hg19) VCF-style: chr10-76729469-C-T.
Other names: c.782C>T, p.Ala261Val (NM_001370140.1, NM_001370141.1, NM_001370142.1 and 10 more transcripts); c.193-9513C>T (NM_001370134.1); c.192+9633C>T (NM_001370135.1); c.782C>T (NM_012330.2, NM_012330.3); short protein forms A261V.
Identifiers: ClinVar variation 439843 (VCV000439843.13), dbSNP rs935089030, ClinGen allele CA209700988.